The following is an entry in ClinVar:

NM_001242896.3(DEPDC5):c.2590A>G (p.Thr864Ala)

Gene: DEPDC5 (DEP domain containing 5, GATOR1 subcomplex subunit; plus strand). Cytogenetic location: 22q12.3.
Variant type: single nucleotide variant.
Coding change: c.2590A>G on transcript NM_001242896.3 (MANE Select); coding-DNA position 2590, A replaced by G.
Protein change: p.Thr864Ala; replaces threonine 864 with alanine.
Molecular consequence: missense variant. On other transcripts: non-coding transcript variant (5).
Genome position (GRCh38, 1-based): chr22:31,843,169, A>G. VCF-style: chr22-31843169-A-G. GRCh37 (hg19) VCF-style: chr22-32239155-A-G.
Other names: c.2563A>G, p.Thr855Ala (NM_001136029.4, NM_001369903.1, NM_014662.6); c.2356A>G, p.Thr786Ala (NM_001242897.2, NM_001363854.2, NM_001364319.2); c.2590A>G, p.Thr864Ala (NM_001363852.2, NM_001364318.2, NM_001364320.2); c.2506A>G, p.Thr836Ala (NM_001369901.1, NM_001369902.1); short protein forms T836A, T855A, T864A, T786A.
Identifiers: ClinVar variation 834903 (VCV000834903.9), dbSNP rs752198928, ClinGen allele CA411288972.

ClinVar aggregate classification (germline): Uncertain significance (1 of 4 stars; one submission).

Conditions:
Familial focal epilepsy with variable foci (FPEVF). Identifiers: Orphanet 98820, MedGen C1858477, MONDO:0020310.

Allele frequency attached by ClinVar (database versions not stated): TOPMed below 0.00001.
gnomAD v4.1: 3 of 1,614,218 alleles (0.00019%); highest among the groups gnomAD compares: Non-Finnish European, 0.00017%; no homozygotes.

Submission:

Labcorp Genetics (formerly Invitae), Labcorp
Classification: Uncertain significance for Familial focal epilepsy with variable foci. Last evaluated: 2019-12-22. Review status: criteria provided, single submitter. Criteria: Invitae Variant Classification Sherloc (09022015). Collection method: clinical testing. Allele origin: germline.
Comment: This variant has not been reported in the literature in individuals with DEPDC5-related conditions. This sequence change replaces threonine with alanine at codon 864 of the DEPDC5 protein (p.Thr864Ala). The threonine residue is highly conserved and there is a small physicochemical difference between threonine and alanine. This variant is not present in population databases (ExAC no frequency). Algorithms developed to predict the effect of missense changes on protein structure and function are either unavailable or do not agree on the potential impact of this missense change (SIFT: "Tolerated"; PolyPhen-2: "Not Available"; Align-GVGD: "Class C0"). In summary, the available evidence is currently insufficient to determine the role of this variant in disease. Therefore, it has been classified as a Variant of Uncertain Significance.